The following is an entry in ClinVar:

ClinVar aggregate classification (germline): Likely benign (1 of 4 stars; one submission).

Submission:

CeGaT Center for Human Genetics Tuebingen
Classification: Likely benign. Last evaluated: 2023-08-01. Review status: criteria provided, single submitter. Criteria: CeGaT Center For Human Genetics Tuebingen Variant Classification Criteria Version 2. Collection method: clinical testing. Allele origin: germline. Affected: yes. Observed: 1 variant allele.
Comment: MUC5AC: BP4, BP7

NM_001304359.2(MUC5AC):c.14091T>C (p.Arg4697=)

Gene: MUC5AC (mucin 5AC, oligomeric mucus/gel-forming; plus strand). Cytogenetic location: 11p15.5.
Variant type: single nucleotide variant.
Coding change: c.14091T>C on transcript NM_001304359.2 (MANE Select); coding-DNA position 14091, T replaced by C.
Protein change: p.Arg4697=; no amino-acid change (arginine 4697 retained).
Molecular consequence: synonymous variant.
Genome position (GRCh38, 1-based): chr11:1,192,236, T>C. VCF-style: chr11-1192236-T-C. GRCh37 (hg19) VCF-style: chr11-1213461-T-C.
Identifiers: ClinVar variation 2641173 (VCV002641173.24), dbSNP rs61867534, ClinGen allele CA5802625.